The following is an entry in ClinVar:

ClinVar aggregate classification (germline): Uncertain significance (1 of 4 stars; one submission).

Conditions:
Familial sleep-related hypermotor epilepsy. Also called: Autosomal Dominant Sleep-Related Hypermotor (Hyperkinetic) Epilepsy. Identifiers: Orphanet 98784, MedGen C3696898, MONDO:0000030.

Allele frequency attached by ClinVar (database versions not stated): gnomAD exomes below 0.00001; TOPMed below 0.00001; gnomAD 0.00003 and 0.00001.
gnomAD v4.1: 3 of 1,613,934 alleles (0.00019%); highest among the groups gnomAD compares: Non-Finnish European, 0.00025%; no homozygotes.

Submission:

Labcorp Genetics (formerly Invitae), Labcorp
Classification: Uncertain significance. Last evaluated: 2018-04-18. Review status: criteria provided, single submitter. Criteria: Invitae Variant Classification Sherloc (09022015). Collection method: clinical testing. Allele origin: germline.
Comment: In summary, the available evidence is currently insufficient to determine the role of this variant in disease. Therefore, it has been classified as a Variant of Uncertain Significance. Nucleotide substitutions within the consensus splice site are a relatively common cause of aberrant splicing (PMID: 17576681, 9536098). Algorithms developed to predict the effect of sequence changes on RNA splicing suggest that this variant may disrupt the consensus splice site, but this prediction has not been confirmed by published transcriptional studies. This variant has not been reported in the literature in individuals with CHRNA2-related disease. This variant is not present in population databases (ExAC no frequency). This sequence change affects an acceptor splice site in the last intron (intron 6) of the CHRNA2 gene. While this is not anticipated to result in nonsense mediated decay, it likely alters RNA splicing and results in a disrupted protein product

Literature cited by the submitters: PubMed 17576681; PubMed 9536098.

NM_000742.4(CHRNA2):c.1465-2A>G

Gene: CHRNA2 (cholinergic receptor nicotinic alpha 2 subunit; minus strand). Cytogenetic location: 8p21.2.
Variant type: single nucleotide variant.
Coding change: c.1465-2A>G on transcript NM_000742.4 (MANE Select); the canonical splice acceptor site of the intron before coding-DNA position 1465, A replaced by G.
Molecular consequence: splice acceptor variant.
Genome position (GRCh38, 1-based): chr8:27,461,756, T>C on the plus strand (A>G on the coding strand, the complement: CHRNA2 is on the minus strand). VCF-style: chr8-27461756-T-C. GRCh37 (hg19) VCF-style: chr8-27319273-T-C.
Other names: c.988-2A>G (NM_001347705.2, NM_001347706.2); c.1420-2A>G (NM_001282455.2); c.871-2A>G (NM_001347708.2, NM_001347707.2).
Identifiers: ClinVar variation 568258 (VCV000568258.6), dbSNP rs1279319311, ClinGen allele CA370807454.